The following is an entry in ClinVar:

ClinVar aggregate classification (germline): Uncertain significance (1 of 4 stars; one submission).

Conditions:
Hereditary cancer-predisposing syndrome. Also called: Tumor predisposition; Hereditary neoplastic syndrome; Neoplastic Syndromes, Hereditary; Hereditary Cancer Syndrome. Identifiers: Orphanet 140162, MedGen C0027672, MeSH D009386, MONDO:0015356.

Submission:

Ambry Genetics
Classification: Uncertain significance for Hereditary cancer-predisposing syndrome. Last evaluated: 2025-05-15. Review status: criteria provided, single submitter. Criteria: Ambry Variant Classification Scheme 2023. Collection method: clinical testing. Allele origin: germline.
Comment: The p.N66S variant (also known as c.197A>G), located in coding exon 2 of the CDC73 gene, results from an A to G substitution at nucleotide position 197. The asparagine at codon 66 is replaced by serine, an amino acid with highly similar properties. This amino acid position is conserved. In addition, the in silico prediction for this alteration is inconclusive. Based on the available evidence, the clinical significance of this variant remains unclear.

NM_024529.5(CDC73):c.197A>G (p.Asn66Ser)

Gene: CDC73 (cell division cycle 73; plus strand). Cytogenetic location: 1q31.2.
Variant type: single nucleotide variant.
Coding change: c.197A>G on transcript NM_024529.5 (MANE Select); coding-DNA position 197, A replaced by G.
Protein change: p.Asn66Ser; replaces asparagine 66 with serine.
Molecular consequence: missense variant.
Genome position (GRCh38, 1-based): chr1:193,125,177, A>G. VCF-style: chr1-193125177-A-G. GRCh37 (hg19) VCF-style: chr1-193094307-A-G.
Other names: short protein forms N66S.
Identifiers: ClinVar variation 3998686 (VCV003998686.1).